The following is an entry in ClinVar:

NM_016204.4(GDF2):c.514A>G (p.Ile172Val)

Gene: GDF2 (growth differentiation factor 2; plus strand). Cytogenetic location: 10q11.22.
Variant type: single nucleotide variant.
Coding change: c.514A>G on transcript NM_016204.4 (MANE Select); coding-DNA position 514, A replaced by G.
Protein change: p.Ile172Val; replaces isoleucine 172 with valine.
Molecular consequence: missense variant.
Genome position (GRCh38, 1-based): chr10:47,325,008, A>G. VCF-style: chr10-47325008-A-G. GRCh37 (hg19) VCF-style: chr10-48414354-T-C.
Other names: short protein forms I172V.
Identifiers: ClinVar variation 1370175 (VCV001370175.3), dbSNP rs201712167, ClinGen allele CA5488089.

ClinVar aggregate classification (germline): Uncertain significance (1 of 4 stars; one submission).

Conditions:
Telangiectasia, hereditary hemorrhagic, type 5 (HHT5). Identifiers: Orphanet 774, MedGen C3809710, MONDO:0014217, OMIM 615506.

Allele frequency attached by ClinVar (database versions not stated): ExAC 0.00001; gnomAD exomes 0.00001; TOPMed 0.00001.

Submission:

Labcorp Genetics (formerly Invitae), Labcorp
Classification: Uncertain significance for Telangiectasia, hereditary hemorrhagic, type 5. Last evaluated: 2021-09-14. Review status: criteria provided, single submitter. Criteria: Invitae Variant Classification Sherloc (09022015). Collection method: clinical testing. Allele origin: germline.
Comment: This sequence change replaces isoleucine with valine at codon 172 of the GDF2 protein (p.Ile172Val). The isoleucine residue is moderately conserved and there is a small physicochemical difference between isoleucine and valine. This variant is present in population databases (rs201712167, ExAC 0.002%). This variant has not been reported in the literature in individuals affected with GDF2-related conditions. Algorithms developed to predict the effect of missense changes on protein structure and function output the following: SIFT: "Tolerated"; PolyPhen-2: "Benign"; Align-GVGD: "Class C0". The valine amino acid residue is found in multiple mammalian species, which suggests that this missense change does not adversely affect protein function. In summary, the available evidence is currently insufficient to determine the role of this variant in disease. Therefore, it has been classified as a Variant of Uncertain Significance.